The following is an entry in ClinVar:

NM_014236.4(GNPAT):c.1476A>G (p.Pro492=)

Gene: GNPAT (glyceronephosphate O-acyltransferase; plus strand). Cytogenetic location: 1q42.2.
Variant type: single nucleotide variant.
Coding change: c.1476A>G on transcript NM_014236.4 (MANE Select); coding-DNA position 1476, A replaced by G.
Protein change: p.Pro492=; no amino-acid change (proline 492 retained).
Molecular consequence: synonymous variant.
Genome position (GRCh38, 1-based): chr1:231,270,954, A>G. VCF-style: chr1-231270954-A-G. GRCh37 (hg19) VCF-style: chr1-231406700-A-G.
Other names: c.1293A>G, p.Pro431= (NM_001316350.2); c.1476A>G (NM_014236.3).
Identifiers: ClinVar variation 1134723 (VCV001134723.8), dbSNP rs113006651, ClinGen allele CA1452031.

ClinVar aggregate classification (germline): Likely benign. Review status: criteria provided, multiple submitters, no conflicts (2 of 4 stars). 2 submissions from 2 submitters: Likely benign (2). Last evaluated 2026-04-01.

Conditions:
GNPAT-related disorder. Also called: GNPAT-related condition.

Allele frequency attached by ClinVar (database versions not stated): gnomAD exomes below 0.00001 and 0.00001; ExAC 0.00001; TOPMed 0.00002; gnomAD 0.00003 and 0.00004.
gnomAD v4.1: 34 of 1,614,086 alleles (0.0021%); highest among the groups gnomAD compares: African/African-American, 0.025%; no homozygotes.

Submissions (2):

PreventionGenetics, part of Exact Sciences
Classification: Likely benign for GNPAT-related condition. Last evaluated: 2026-04-01. Review status: criteria provided, single submitter. Criteria: ACMG Guidelines, 2015. Collection method: clinical testing. Allele origin: germline.
Comment: This variant is classified as likely benign based on ACMG/AMP sequence variant interpretation guidelines (Richards et al. 2015 PMID: 25741868, with internal and published modifications).

Labcorp Genetics (formerly Invitae), Labcorp
Classification: Likely benign. Last evaluated: 2025-07-08. Review status: criteria provided, single submitter. Criteria: Invitae Variant Classification Sherloc (09022015). Collection method: clinical testing. Allele origin: germline.